The following is an entry in ClinVar:

ClinVar aggregate classification (germline): Benign (1 of 4 stars; one submission).

Allele frequency attached by ClinVar (database versions not stated): 1000 Genomes Project 30x 0.09041; 1000 Genomes Project 0.09285; TOPMed 0.10758; gnomAD 0.11039 and 0.11050.
gnomAD v4.1: 16,908 of 152,144 alleles (11%); highest among the groups gnomAD compares: Middle Eastern, 22%; 1,050 homozygotes.

Submission:

GeneDx
Classification: Benign. Last evaluated: 2018-06-14. Review status: criteria provided, single submitter. Criteria: GeneDx Variant Classification (06012015). Collection method: clinical testing. Allele origin: germline. Affected: yes.
Comment: This variant is considered likely benign or benign based on one or more of the following criteria: it is a conservative change, it occurs at a poorly conserved position in the protein, it is predicted to be benign by multiple in silico algorithms, and/or has population frequency not consistent with disease.

NM_015346.4(ZFYVE26):c.6011+204C>T

Gene: ZFYVE26 (zinc finger FYVE-type containing 26; minus strand). Cytogenetic location: 14q24.1.
Variant type: single nucleotide variant.
Coding change: c.6011+204C>T on transcript NM_015346.4 (MANE Select); 204 bases into the intron after coding-DNA position 6011, C replaced by T.
Molecular consequence: intron variant.
Genome position (GRCh38, 1-based): chr14:67,766,023, G>A on the plus strand (C>T on the coding strand, the complement: ZFYVE26 is on the minus strand). VCF-style: chr14-67766023-G-A. GRCh37 (hg19) VCF-style: chr14-68232740-G-A.
Identifiers: ClinVar variation 672762 (VCV000672762.1), dbSNP rs71421388, ClinGen allele CA14007116.